The following is an entry in ClinVar:

NM_005264.8(GFRA1):c.1024A>G (p.Ile342Val)

Gene: GFRA1 (GDNF family receptor alpha 1; minus strand). Cytogenetic location: 10q25.3.
Variant type: single nucleotide variant.
Coding change: c.1024A>G on transcript NM_005264.8 (MANE Select); coding-DNA position 1024, A replaced by G.
Protein change: p.Ile342Val; replaces isoleucine 342 with valine.
Molecular consequence: missense variant.
Genome position (GRCh38, 1-based): chr10:116,089,914, T>C on the plus strand (A>G on the coding strand, the complement: GFRA1 is on the minus strand). VCF-style: chr10-116089914-T-C. GRCh37 (hg19) VCF-style: chr10-117849425-T-C.
Other names: c.1009A>G, p.Ile337Val (NM_001145453.4, NM_001348096.3, NM_001382556.2 and 6 more transcripts); c.1024A>G, p.Ile342Val (NM_001348098.4); c.661A>G, p.Ile221Val (NM_001348099.3); short protein forms I221V, I337V, I342V.
Identifiers: ClinVar variation 3393411 (VCV003393411.1).

ClinVar aggregate classification (germline): Uncertain significance (1 of 4 stars; one submission).

Conditions:
Renal hypodysplasia/aplasia 4. Identifiers: MedGen C5676993, MONDO:0030822, OMIM 619887.

gnomAD v4.1: 185 of 1,612,742 alleles (0.011%); highest among the groups gnomAD compares: South Asian, 0.19%; 1 homozygote.

Submission:

Neuberg Centre For Genomic Medicine, NCGM
Classification: Uncertain significance for Renal hypodysplasia/aplasia 4. Review status: criteria provided, single submitter. Criteria: ACMG Guidelines, 2015. Collection method: clinical testing. Allele origin: germline. Inheritance: Autosomal recessive inheritance. Affected: yes.
Comment: The observed missense variant c.1024A>Gp.Ile342Val in the GFRA1 gene has not been reported previously as a pathogenic variant nor as a benign variant, to our knowledge. This variant is reported with the allele frequency 0.02% in the gnomAD Exomes. The amino acid Ile at position 342 is changed to a Val changing protein sequence and it might alter its composition and physico-chemical properties. Multiple lines of computational evidence Polyphen - Damaging, SIFT - Damaging and MutationTaster - Disease causing predict a damaging effect on protein structure and function for this variant. The residue is conserved by GERP++ and PhyloP across 100 vertebrates. For these reasons, this variant has been classified as Uncertain Significance.